The following is an entry in ClinVar:

NM_005502.4(ABCA1):c.6412G>A (p.Gly2138Ser)

Genes: ABCA1 (ATP binding cassette subfamily A member 1; minus strand), NIPSNAP3B (nipsnap homolog 3B; plus strand). Cytogenetic location: 9q31.1.
Variant type: single nucleotide variant.
Coding change: c.6412G>A on transcript NM_005502.4 (MANE Select); coding-DNA position 6412, G replaced by A.
Protein change: p.Gly2138Ser; replaces glycine 2138 with serine.
Molecular consequence: missense variant.
Genome position (GRCh38, 1-based): chr9:104,785,629, C>T on the plus strand (G>A on the coding strand, the complement: ABCA1 is on the minus strand). VCF-style: chr9-104785629-C-T. GRCh37 (hg19) VCF-style: chr9-107547910-C-T.
Other names: short protein forms G2138S.
Identifiers: ClinVar variation 1753397 (VCV001753397.2), dbSNP rs2118834287, ClinGen allele CA374311761.
Genomic context (GRCh38, chr9:104,785,629, plus strand): 5'-AATCCTGGACAGGCTTCAGGTCCGGGTTGGACCCTGCTATTCGTACAACTATTGTATAAC[C>T]ATCTCCAAACCTGAAAGCAGGAAAAAATACCCAAATGGAGGATCTCCAGAAAACTATTTA-3'
Protein context (NP_005493.2, residues 2128-2148): VQHLKNRFGD[Gly2138Ser]YTIVVRIAGS

ClinVar aggregate classification (germline): Uncertain significance (1 of 4 stars; one submission).

Conditions:
Cardiovascular phenotype. Identifiers: MedGen CN230736.

Submission:

Ambry Genetics
Classification: Uncertain significance for Cardiovascular phenotype. Last evaluated: 2022-02-10. Review status: criteria provided, single submitter. Criteria: Ambry Variant Classification Scheme 2023. Collection method: clinical testing. Allele origin: germline.
Comment: The p.G2138S variant (also known as c.6412G>A), located in coding exon 48 of the ABCA1 gene, results from a G to A substitution at nucleotide position 6412. The glycine at codon 2138 is replaced by serine, an amino acid with similar properties. This amino acid position is conserved. In addition, this alteration is predicted to be deleterious by in silico analysis. Since supporting evidence is limited at this time, the clinical significance of this alteration remains unclear.